The following is an entry in ClinVar:

ClinVar aggregate classification (germline): Likely benign. Review status: reviewed by expert panel (3 of 4 stars). 9 submissions from 9 submitters: Likely benign (1). 8 of the submissions do not count toward it. Last evaluated 2024-06-11.

Conditions:
Familial colorectal cancer type X. Identifiers: Orphanet 440437, MedGen C3896578, MONDO:0018604.
BRCA2-related cancer predisposition. Identifiers: MedGen CN377758, MONDO:0700269.
BRCA2-related disorder. Also called: BRCA2-related condition; BRCA2-related disorders. Identifiers: MedGen CN239275.
Hereditary cancer-predisposing syndrome. Also called: Hereditary Cancer Syndrome; Neoplastic Syndromes, Hereditary; Tumor predisposition; Hereditary neoplastic syndrome. Identifiers: Orphanet 140162, MedGen C0027672, MeSH D009386, MONDO:0015356.
Hereditary breast ovarian cancer syndrome. Also called: Hereditary breast and ovarian cancer syndrome; Hereditary breast and ovarian cancer syndrome (HBOC); BRCA1- and BRCA2-Associated Hereditary Breast and Ovarian Cancer; Hereditary breast and ovarian cancer; Breast and ovarian cancer; Hereditary breast and/or ovarian cancer syndrome. Identifiers: Orphanet 145, MedGen C0677776, MeSH D061325, MONDO:0003582. Disease mechanism: loss of function.

Submissions (9):

ClinGen ENIGMA BRCA1 and BRCA2 Variant Curation Expert Panel, ClinGen
Classification: Likely benign for BRCA2-related cancer predisposition. Last evaluated: 2024-06-11. Review status: reviewed by expert panel. Criteria: CSpec BRCA1/2ACMG Rules Specifications V1.0. Collection method: curation. Allele origin: germline. Inheritance: Autosomal dominant inheritance.
Comment: The c.5632_5634del variant in BRCA2 is predicted to cause a change in the length of the protein due to an in-frame deletion of one amino acid (p.Asn1878del). This variant is present in gnomAD v2.1 (exomes only, non-cancer subset) or gnomAD v3.1 (non-cancer subset) but is below the ENIGMA BRCA1/2 VCEP threshold >0.00002 for BS1_Supporting (PM2_Supporting, BS1, and BA1 are not met). This in-frame deletion variant is located outside of a key functional domain and was not predicted to alter mRNA splicing using the SpliceAI predictor (score 0.01, score threshold <0.1) (BP1_Strong met). In summary, this variant meets the criteria to be classified as a Likely benign variant for BRCA2-related cancer predisposition based on the ACMG/AMP criteria applied as specified by the ENIGMA BRCA1/2 VCEP (BP1_Strong).

Women's Health and Genetics/Laboratory Corporation of America, LabCorp
Classification: Uncertain significance. Last evaluated: 2026-06-10. Review status: criteria provided, single submitter. Criteria: LabCorp Variant Classification Summary - May 2015. Collection method: clinical testing. Allele origin: germline. Not counted in ClinVar's aggregate classification.
Comment: Variant summary: BRCA2 c.5632_5634delAAC (p.Asn1878del) results in an in-frame deletion that is predicted to remove one amino acid from the encoded protein. The variant allele was found at a frequency of 8.1e-06 in 247794 control chromosomes. The available data on variant occurrences in the general population are insufficient to allow any conclusion about variant significance. c.5632_5634delAAC was observed in at least one healthy control and was absent in affected individuals in a large case-control study of Japanese individuals with breast cancer (Momozawa_2018). This report does not provide unequivocal conclusions about association of the variant with disease. To our knowledge, no experimental evidence demonstrating an impact on protein function has been reported. The following publication has been ascertained in the context of this evaluation (PMID: 30287823). ClinVar contains an entry for this variant (Variation ID: 193790). Based on the evidence outlined above, the variant was classified as uncertain significance.

PreventionGenetics, part of Exact Sciences
Classification: Likely benign for BRCA2-related condition. Last evaluated: 2026-01-23. Review status: criteria provided, single submitter. Criteria: ACMG Guidelines, 2015. Collection method: clinical testing. Allele origin: germline. Not counted in ClinVar's aggregate classification.
Comment: This variant is classified as likely benign based on ACMG/AMP sequence variant interpretation guidelines (Richards et al. 2015 PMID: 25741868, with internal and published modifications).

Labcorp Genetics (formerly Invitae), Labcorp
Classification: Uncertain significance for Hereditary breast ovarian cancer syndrome. Last evaluated: 2025-10-08. Review status: criteria provided, single submitter. Criteria: Invitae Variant Classification Sherloc (09022015). Collection method: clinical testing. Allele origin: germline. Not counted in ClinVar's aggregate classification.
Comment: This variant, c.5632_5634del, results in the deletion of 1 amino acid(s) of the BRCA2 protein (p.Asn1878del), but otherwise preserves the integrity of the reading frame. This variant is present in population databases (rs771028475, gnomAD 0.006%). This variant has not been reported in the literature in individuals affected with BRCA2-related conditions. ClinVar contains an entry for this variant (Variation ID: 193790). Experimental studies and prediction algorithms are not available or were not evaluated, and the functional significance of this variant is currently unknown. In summary, the available evidence is currently insufficient to determine the role of this variant in disease. Therefore, it has been classified as a Variant of Uncertain Significance.

Ambry Genetics
Classification: Uncertain significance for Hereditary cancer-predisposing syndrome. Last evaluated: 2023-12-29. Review status: criteria provided, single submitter. Criteria: Ambry Variant Classification Scheme 2023. Collection method: clinical testing. Allele origin: germline. Not counted in ClinVar's aggregate classification.
Comment: The c.5632_5634delAAC variant (also known as p.N1878del) is located in coding exon 10 of the BRCA2 gene. This variant results from an in-frame AAC deletion at nucleotide positions 5632 to 5634. This results in the in-frame deletion of an asparagine at codon 1878. This amino acid position is poorly conserved in available vertebrate species. In addition, this alteration is predicted to be deleterious by in silico analysis (Choi Y et al. PLoS ONE. 2012; 7(10):e46688). Since supporting evidence is limited at this time, the clinical significance of this alteration remains unclear.

Department of Pathology and Laboratory Medicine, Sinai Health System
Classification: Uncertain significance for Familial colorectal cancer type X. Last evaluated: 2023-09-06. Review status: criteria provided, single submitter. Criteria: ACMG Guidelines, 2015. Collection method: clinical testing. Allele origin: germline. Affected: yes. Not counted in ClinVar's aggregate classification.

Color Diagnostics, LLC DBA Color Health
Classification: Uncertain significance for Hereditary cancer-predisposing syndrome. Last evaluated: 2023-08-17. Review status: criteria provided, single submitter. Criteria: ACMG Guidelines, 2015. Collection method: clinical testing. Allele origin: germline. Not counted in ClinVar's aggregate classification.
Comment: This variant causes an in-frame deletion of 1 amino acid of the BRCA2 protein. To our knowledge, functional studies have not been reported for this variant. This variant has been reported in an unaffected individual (PMID: 30287823) and in a multifactorial analysis with co-occurrence and family history likelihood ratios for pathogenicity of 1.0246 and 0.7136, respectively (PMID: 31131967). This variant has been identified in 2/247794 chromosomes in the general population by the Genome Aggregation Database (gnomAD). The available evidence is insufficient to determine the role of this variant in disease conclusively. Therefore, this variant is classified as a Variant of Uncertain Significance.

Quest Diagnostics Nichols Institute San Juan Capistrano
Classification: Uncertain significance. Last evaluated: 2019-06-02. Review status: criteria provided, single submitter. Criteria: Quest Diagnostics criteria. Collection method: clinical testing. Allele origin: germline. Not counted in ClinVar's aggregate classification.

Eurofins Ntd Llc (ga)
Classification: Uncertain significance. Last evaluated: 2015-01-23. Review status: criteria provided, single submitter. Criteria: EGL Classification Definitions 2015. Collection method: clinical testing. Allele origin: germline. Observed: 2 variant alleles, 2 heterozygotes. Not counted in ClinVar's aggregate classification.

Literature cited by the submitters: PubMed 30287823 (cited by 5 submitters); PubMed 31131967 (cited by Color Diagnostics, LLC DBA Color Health).

NM_000059.4(BRCA2):c.5629AAC[1] (p.Asn1878del)

Gene: BRCA2 (BRCA2 DNA repair associated; plus strand). Cytogenetic location: 13q13.1.
Variant type: Microsatellite.
Coding change: c.5629AAC[1] on transcript NM_000059.4 (MANE Select); one copy of the 3-base unit AAC starting at c.5629; the reference has two copies in a row; one copy, 3 bases deleted.
Protein change: p.Asn1878del; deletes asparagine 1878.
Molecular consequence: inframe deletion.
Genome position (GRCh38, 1-based): chr13:32,339,987-32,339,989, AAC deleted; deleting any 3 consecutive bases within chr13:32,339,984-32,339,989 gives the same sequence; the position shown is the placement nearest the transcript's 3' end. VCF-style (leftmost placement, unchanged base first): chr13-32339983-AAAC-A. GRCh37 (hg19) VCF-style: chr13-32914120-AAAC-A.
Other names: NM_000059.4:c.5632_5634del; c.5632_5634delAAC (NM_000059.3, NM_000059.4); short protein forms N1878del.
Identifiers: ClinVar variation 193790 (VCV000193790.30), dbSNP rs794727015, ClinGen allele CA022758.